The following is an entry in ClinVar:

NM_000338.3(SLC12A1):c.1733C>G (p.Ser578Ter)

Gene: SLC12A1 (solute carrier family 12 member 1; plus strand). Cytogenetic location: 15q21.1.
Variant type: single nucleotide variant.
Coding change: c.1733C>G on transcript NM_000338.3 (MANE Select); coding-DNA position 1733, C replaced by G.
Protein change: p.Ser578Ter; replaces serine 578 with a stop codon.
Molecular consequence: nonsense.
Genome position (GRCh38, 1-based): chr15:48,249,623, C>G. VCF-style: chr15-48249623-C-G. GRCh37 (hg19) VCF-style: chr15-48541820-C-G.
Other names: c.1733C>G, p.Ser578Ter (NM_001184832.2, NM_001384136.1); short protein forms S578*.
Identifiers: ClinVar variation 2845674 (VCV002845674.3), dbSNP rs2505093961, ClinGen allele CA392313255.

ClinVar aggregate classification (germline): Pathogenic (1 of 4 stars; one submission).

Submission:

Labcorp Genetics (formerly Invitae), Labcorp
Classification: Pathogenic. Last evaluated: 2023-03-14. Review status: criteria provided, single submitter. Criteria: Invitae Variant Classification Sherloc (09022015). Collection method: clinical testing. Allele origin: germline.
Comment: For these reasons, this variant has been classified as Pathogenic. This variant has not been reported in the literature in individuals affected with SLC12A1-related conditions. This variant is not present in population databases (gnomAD no frequency). This sequence change creates a premature translational stop signal (p.Ser578*) in the SLC12A1 gene. It is expected to result in an absent or disrupted protein product. Loss-of-function variants in SLC12A1 are known to be pathogenic (PMID: 8640224, 9585600, 19096086).

Literature cited by the submitters: PubMed 8640224; PubMed 9585600; PubMed 19096086.